The following is an entry in ClinVar:

ClinVar aggregate classification (germline): Uncertain significance. Review status: criteria provided, multiple submitters, no conflicts (2 of 4 stars). 2 submissions from 2 submitters: Uncertain significance (2). Last evaluated 2024-10-14.

Conditions:
Peroxisome biogenesis disorder. Identifiers: Orphanet 79189, MedGen C1832200, MONDO:0019234. Disease mechanism: loss of function.
PEX6-related disorder. Also called: PEX6-related condition; PEX6-related disorders.

Allele frequency attached by ClinVar (database versions not stated): gnomAD 0.00001.
gnomAD v4.1: 3 of 1,614,100 alleles (0.00019%); highest among the groups gnomAD compares: African/African-American, 0.004%; no homozygotes.

Submissions (2):

Labcorp Genetics (formerly Invitae), Labcorp
Classification: Uncertain significance for Peroxisome biogenesis disorder. Last evaluated: 2024-10-14. Review status: criteria provided, single submitter. Criteria: Invitae Variant Classification Sherloc (09022015). Collection method: clinical testing. Allele origin: germline.
Comment: This sequence change replaces glycine, which is neutral and non-polar, with alanine, which is neutral and non-polar, at codon 258 of the PEX6 protein (p.Gly258Ala). This variant is present in population databases (no rsID available, gnomAD 0.007%). This variant has not been reported in the literature in individuals affected with PEX6-related conditions. ClinVar contains an entry for this variant (Variation ID: 1460897). An algorithm developed to predict the effect of missense changes on protein structure and function (PolyPhen-2) suggests that this variant is likely to be tolerated. In summary, the available evidence is currently insufficient to determine the role of this variant in disease. Therefore, it has been classified as a Variant of Uncertain Significance.

PreventionGenetics, part of Exact Sciences
Classification: Uncertain significance for PEX6-related condition. Last evaluated: 2022-12-29. Review status: criteria provided, single submitter. Criteria: ACMG Guidelines, 2015. Collection method: clinical testing. Allele origin: germline.
Comment: The PEX6 c.773G>C variant is predicted to result in the amino acid substitution p.Gly258Ala. To our knowledge, this variant has not been reported in the literature. This variant is reported in 0.0062% of alleles in individuals of African descent in gnomAD. At this time, the clinical significance of this variant is uncertain due to the absence of conclusive functional and genetic evidence.

NM_000287.4(PEX6):c.773G>C (p.Gly258Ala)

Gene: PEX6 (peroxisomal biogenesis factor 6; minus strand). Cytogenetic location: 6p21.1.
Variant type: single nucleotide variant.
Coding change: c.773G>C on transcript NM_000287.4 (MANE Select); coding-DNA position 773, G replaced by C.
Protein change: p.Gly258Ala; replaces glycine 258 with alanine.
Molecular consequence: missense variant. On other transcripts: non-coding transcript variant (1), intron variant (1).
Genome position (GRCh38, 1-based): chr6:42,978,378, C>G on the plus strand (G>C on the coding strand, the complement: PEX6 is on the minus strand). VCF-style: chr6-42978378-C-G. GRCh37 (hg19) VCF-style: chr6-42946116-C-G.
Other names: c.618+155G>C (NM_001316313.2); c.773G>C (NM_000287.3); short protein forms G258A.
Identifiers: ClinVar variation 1460897 (VCV001460897.8), dbSNP rs1030087734, ClinGen allele CA138237623.